The following is an entry in ClinVar:

NM_006245.4(PPP2R5D):c.687C>T (p.Asn229=)

Gene: PPP2R5D (protein phosphatase 2 regulatory subunit B'delta; plus strand). Cytogenetic location: 6p21.1.
Variant type: single nucleotide variant.
Coding change: c.687C>T on transcript NM_006245.4 (MANE Select); coding-DNA position 687, C replaced by T.
Protein change: p.Asn229=; no amino-acid change (asparagine 229 retained).
Molecular consequence: synonymous variant.
Genome position (GRCh38, 1-based): chr6:43,007,467, C>T. VCF-style: chr6-43007467-C-T. GRCh37 (hg19) VCF-style: chr6-42975205-C-T.
Other names: c.234C>T, p.Asn78= (NM_001270476.2); c.591C>T, p.Asn197= (NM_180976.3); c.369C>T, p.Asn123= (NM_180977.3).
Identifiers: ClinVar variation 3251133 (VCV003251133.18), dbSNP rs2532476646.
Genomic context (GRCh38, chr6:43,007,467, plus strand): 5'-CCTATAGCTCGTGTATGAGTTCTTCTTACGTTTCCTTGAGTCTCCTGATTTCCAGCCAAA[C>T]ATAGCCAAGAAGTACATCGACCAGAAGTTTGTACTTGCTGTGAGTCCCCGAGTTCCTGTC-3'
Protein context (NP_006236.1, residues 219-239): RFLESPDFQP[Asn229=]IAKKYIDQKF

ClinVar aggregate classification (germline): Likely benign (1 of 4 stars; one submission).

Submission:

CeGaT Center for Human Genetics Tuebingen
Classification: Likely benign. Last evaluated: 2024-06-01. Review status: criteria provided, single submitter. Criteria: CeGaT Center For Human Genetics Tuebingen Variant Classification Criteria Version 2. Collection method: clinical testing. Allele origin: germline. Affected: yes. Observed: 1 variant allele.
Comment: PPP2R5D: PM2:Supporting, BP4, BP7